The following is an entry in ClinVar:

ClinVar aggregate classification (germline): Uncertain significance (1 of 4 stars; one submission).

Allele frequency attached by ClinVar (database versions not stated): gnomAD exomes 0.00001; TOPMed 0.00002.
gnomAD v4.1: 5 of 1,613,288 alleles (0.00031%); highest among the groups gnomAD compares: Admixed American, 0.0083%; no homozygotes.

Submission:

Labcorp Genetics (formerly Invitae), Labcorp
Classification: Uncertain significance. Last evaluated: 2023-12-11. Review status: criteria provided, single submitter. Criteria: Invitae Variant Classification Sherloc (09022015). Collection method: clinical testing. Allele origin: germline.
Comment: This sequence change replaces glycine, which is neutral and non-polar, with serine, which is neutral and polar, at codon 1397 of the PTPN23 protein (p.Gly1397Ser). This variant is present in population databases (no rsID available, gnomAD 0.01%). This variant has not been reported in the literature in individuals affected with PTPN23-related conditions. ClinVar contains an entry for this variant (Variation ID: 1900669). An algorithm developed to predict the effect of missense changes on protein structure and function (PolyPhen-2) suggests that this variant is likely to be disruptive. In summary, the available evidence is currently insufficient to determine the role of this variant in disease. Therefore, it has been classified as a Variant of Uncertain Significance.

NM_015466.4(PTPN23):c.4189G>A (p.Gly1397Ser)

Gene: PTPN23 (protein tyrosine phosphatase non-receptor type 23; plus strand). Cytogenetic location: 3p21.31.
Variant type: single nucleotide variant.
Coding change: c.4189G>A on transcript NM_015466.4 (MANE Select); coding-DNA position 4189, G replaced by A.
Protein change: p.Gly1397Ser; replaces glycine 1397 with serine.
Molecular consequence: missense variant.
Genome position (GRCh38, 1-based): chr3:47,412,293, G>A. VCF-style: chr3-47412293-G-A. GRCh37 (hg19) VCF-style: chr3-47453783-G-A.
Other names: c.3811G>A, p.Gly1271Ser (NM_001304482.2); short protein forms G1397S, G1271S.
Identifiers: ClinVar variation 1900669 (VCV001900669.4), dbSNP rs1290991555, ClinGen allele CA352565845.
Genomic context (GRCh38, chr3:47,412,293, plus strand): 5'-GCTCTTGGCCTAGCCTCATACCCCGGCCTCATAACCCCTTCTTGGCACAGCTCTGGTGTG[G>A]GCCGCACGGGAGCCTTTGCACTGCTCTATGCAGCTGTGCAGGAGGTGGAGGCTGGGAACG-3'
Protein context (NP_056281.1, residues 1387-1407): PIIVHCSSGV[Gly1397Ser]RTGAFALLYA